The following is an entry in ClinVar:

ClinVar aggregate classification (germline): Uncertain significance (1 of 4 stars; one submission).

Conditions:
Mendelian susceptibility to mycobacterial diseases due to partial STAT1 deficiency. Also called: IMMUNODEFICIENCY 31A, MYCOBACTERIOSIS, AUTOSOMAL DOMINANT; STAT1 DEFICIENCY, AUTOSOMAL DOMINANT; Immunodeficiency 31a. Identifiers: Orphanet 319595, MedGen C4013950, MONDO:0013956, OMIM 614892.
Immunodeficiency 31B. Also called: IMMUNODEFICIENCY 31B, MYCOBACTERIAL AND VIRAL INFECTIONS, AUTOSOMAL RECESSIVE; STAT1 DEFICIENCY, AUTOSOMAL RECESSIVE. Identifiers: Orphanet 391311, MedGen C3151088, MONDO:0013427, OMIM 613796.
Autoimmune enteropathy and endocrinopathy - susceptibility to chronic infections syndrome. Also called: Immunodeficiency 31C, autosomal dominant; Immunodeficiency 31C. Identifiers: Orphanet 391487, MedGen C3279990, MONDO:0013599, OMIM 614162.

Submission:

Labcorp Genetics (formerly Invitae), Labcorp
Classification: Uncertain significance for Mendelian susceptibility to mycobacterial diseases due to partial STAT1 deficiency; Immunodeficiency 31B; Autoimmune enteropathy and endocrinopathy - susceptibility to chronic infections syndrome. Last evaluated: 2020-09-25. Review status: criteria provided, single submitter. Criteria: Invitae Variant Classification Sherloc (09022015). Collection method: clinical testing. Allele origin: germline.
Comment: This sequence change replaces proline with serine at codon 326 of the STAT1 protein (p.Pro326Ser). The proline residue is moderately conserved and there is a moderate physicochemical difference between proline and serine. This variant is not present in population databases (ExAC no frequency). This variant has not been reported in the literature in individuals with STAT1-related conditions. Algorithms developed to predict the effect of missense changes on protein structure and function are either unavailable or do not agree on the potential impact of this missense change (SIFT: "Deleterious"; PolyPhen-2: "Probably Damaging"; Align-GVGD: "Class C0"). In summary, the available evidence is currently insufficient to determine the role of this variant in disease. Therefore, it has been classified as a Variant of Uncertain Significance.

NM_007315.4(STAT1):c.976C>T (p.Pro326Ser)

Gene: STAT1 (signal transducer and activator of transcription 1; minus strand). Cytogenetic location: 2q32.2.
Variant type: single nucleotide variant.
Coding change: c.976C>T on transcript NM_007315.4 (MANE Select); coding-DNA position 976, C replaced by T.
Protein change: p.Pro326Ser; replaces proline 326 with serine.
Molecular consequence: missense variant. On other transcripts: intron variant (1).
Genome position (GRCh38, 1-based): chr2:190,991,289, G>A on the plus strand (C>T on the coding strand, the complement: STAT1 is on the minus strand). VCF-style: chr2-190991289-G-A. GRCh37 (hg19) VCF-style: chr2-191856015-G-A.
Other names: c.982C>T, p.Pro328Ser (NM_001384884.1, NM_001384881.1); c.817C>T, p.Pro273Ser (NM_001384885.1); c.976C>T, p.Pro326Ser (NM_001384886.1, NM_001384888.1, NM_001384889.1 and 3 more transcripts); c.886C>T, p.Pro296Ser (NM_001384890.1); c.1012C>T, p.Pro338Ser (NM_001384891.1); c.945-1615C>T (NM_001384887.1); c.877C>T, p.Pro293Ser (NM_001384883.1); short protein forms P273S, P293S, P296S, P326S, P328S, P338S.
Identifiers: ClinVar variation 1019308 (VCV001019308.8), dbSNP rs1693314120, ClinGen allele CA349920783.